The following is an entry in ClinVar:

ClinVar aggregate classification (germline): Uncertain significance (1 of 4 stars; one submission).

Allele frequency attached by ClinVar (database versions not stated): gnomAD exomes below 0.00001 and 0.00001.
gnomAD v4.1: 2 of 1,614,188 alleles (0.00012%); highest among the groups gnomAD compares: Admixed American, 0.0033%; no homozygotes.

Submission:

Labcorp Genetics (formerly Invitae), Labcorp
Classification: Uncertain significance. Last evaluated: 2023-05-15. Review status: criteria provided, single submitter. Criteria: Invitae Variant Classification Sherloc (09022015). Collection method: clinical testing. Allele origin: germline.
Comment: This sequence change replaces threonine, which is neutral and polar, with isoleucine, which is neutral and non-polar, at codon 1080 of the CAD protein (p.Thr1080Ile). In summary, the available evidence is currently insufficient to determine the role of this variant in disease. Therefore, it has been classified as a Variant of Uncertain Significance. Advanced modeling of protein sequence and biophysical properties (such as structural, functional, and spatial information, amino acid conservation, physicochemical variation, residue mobility, and thermodynamic stability) performed at Invitae indicates that this missense variant is not expected to disrupt CAD protein function. ClinVar contains an entry for this variant (Variation ID: 1506559). This variant has not been reported in the literature in individuals affected with CAD-related conditions. This variant is present in population databases (no rsID available, gnomAD 0.006%).

NM_004341.5(CAD):c.3239C>T (p.Thr1080Ile)

Gene: CAD (carbamoyl-phosphate synthetase 2, aspartate transcarbamylase, and dihydroorotase; plus strand). Cytogenetic location: 2p23.3.
Variant type: single nucleotide variant.
Coding change: c.3239C>T on transcript NM_004341.5 (MANE Select); coding-DNA position 3239, C replaced by T.
Protein change: p.Thr1080Ile; replaces threonine 1080 with isoleucine.
Molecular consequence: missense variant.
Genome position (GRCh38, 1-based): chr2:27,233,648, C>T. VCF-style: chr2-27233648-C-T. GRCh37 (hg19) VCF-style: chr2-27456516-C-T.
Other names: c.3050C>T, p.Thr1017Ile (NM_001306079.2); short protein forms T1017I, T1080I.
Identifiers: ClinVar variation 1506559 (VCV001506559.6), dbSNP rs1229789001, ClinGen allele CA346214116.